The following is an entry in ClinVar:

ClinVar aggregate classification (germline): Uncertain significance. Review status: criteria provided, multiple submitters, no conflicts (2 of 4 stars). 2 submissions from 2 submitters: Uncertain significance (2). Last evaluated 2024-06-17.

Conditions:
Cardiovascular phenotype. Identifiers: MedGen CN230736.

Allele frequency attached by ClinVar (database versions not stated): ExAC 0.00001; gnomAD exomes 0.00001; gnomAD 0.00004.
gnomAD v4.1: 20 of 1,612,782 alleles (0.0012%); highest among the groups gnomAD compares: African/African-American, 0.0093%; no homozygotes.

Submissions (2):

GeneDx
Classification: Uncertain significance. Last evaluated: 2024-06-17. Review status: criteria provided, single submitter. Criteria: GeneDx Variant Classification Process June 2021. Collection method: clinical testing. Allele origin: germline. Affected: yes.
Comment: Not observed at significant frequency in large population cohorts (gnomAD); In silico analysis supports that this missense variant has a deleterious effect on protein structure/function; Has not been previously published as pathogenic or benign to our knowledge

Ambry Genetics
Classification: Uncertain significance for Cardiovascular phenotype. Last evaluated: 2023-07-05. Review status: criteria provided, single submitter. Criteria: Ambry Variant Classification Scheme 2023. Collection method: clinical testing. Allele origin: germline.
Comment: The p.R2918C variant (also known as c.8752C>T), located in coding exon 24 of the TNXB gene, results from a C to T substitution at nucleotide position 8752. The arginine at codon 2918 is replaced by cysteine, an amino acid with highly dissimilar properties. This amino acid position is conserved. In addition, this alteration is predicted to be tolerated by in silico analysis. Since supporting evidence is limited at this time, the clinical significance of this alteration remains unclear.

NM_001365276.2(TNXB):c.8758C>T (p.Arg2920Cys)

Gene: TNXB (tenascin XB; minus strand). Cytogenetic location: 6p21.33.
Variant type: single nucleotide variant.
Coding change: c.8758C>T on transcript NM_001365276.2 (MANE Select); coding-DNA position 8758, C replaced by T.
Protein change: p.Arg2920Cys; replaces arginine 2920 with cysteine.
Molecular consequence: missense variant.
Genome position (GRCh38, 1-based): chr6:32,053,421, G>A on the plus strand (C>T on the coding strand, the complement: TNXB is on the minus strand). VCF-style: chr6-32053421-G-A. GRCh37 (hg19) VCF-style: chr6-32021198-G-A.
Other names: c.8752C>T, p.Arg2918Cys (NM_019105.8); short protein forms R2918C, R2920C.
Identifiers: ClinVar variation 2624722 (VCV002624722.3), dbSNP rs773287829, ClinGen allele CA3733758.